The following is an entry in ClinVar:

ClinVar aggregate classification (germline): Uncertain significance (1 of 4 stars; one submission).

Conditions:
Fanconi anemia (FA). Also called: Fanconi's anemia. Identifiers: Orphanet 84, MedGen C0015625, MeSH D005199, MONDO:0019391.

gnomAD v4.1: 3 of 1,614,092 alleles (0.00019%); highest among the groups gnomAD compares: Non-Finnish European, 0.00025%; no homozygotes.

Submission:

Labcorp Genetics (formerly Invitae), Labcorp
Classification: Uncertain significance for Fanconi anemia. Last evaluated: 2025-01-19. Review status: criteria provided, single submitter. Criteria: Invitae Variant Classification Sherloc (09022015). Collection method: clinical testing. Allele origin: germline.
Comment: This sequence change replaces glutamic acid, which is acidic and polar, with aspartic acid, which is acidic and polar, at codon 910 of the SLX4 protein (p.Glu910Asp). This variant is not present in population databases (gnomAD no frequency). This variant has not been reported in the literature in individuals affected with SLX4-related conditions. An algorithm developed to predict the effect of missense changes on protein structure and function (PolyPhen-2) suggests that this variant is likely to be tolerated. In summary, the available evidence is currently insufficient to determine the role of this variant in disease. Therefore, it has been classified as a Variant of Uncertain Significance.

NM_032444.4(SLX4):c.2730G>T (p.Glu910Asp)

Gene: SLX4 (SLX4 structure-specific endonuclease subunit; minus strand). Cytogenetic location: 16p13.3.
Variant type: single nucleotide variant.
Coding change: c.2730G>T on transcript NM_032444.4 (MANE Select); coding-DNA position 2730, G replaced by T.
Protein change: p.Glu910Asp; replaces glutamic acid 910 with aspartic acid.
Molecular consequence: missense variant.
Genome position (GRCh38, 1-based): chr16:3,590,908, C>A on the plus strand (G>T on the coding strand, the complement: SLX4 is on the minus strand). VCF-style: chr16-3590908-C-A. GRCh37 (hg19) VCF-style: chr16-3640909-C-A.
Other names: short protein forms E910D.
Identifiers: ClinVar variation 3673620 (VCV003673620.2).